The following is an entry in ClinVar:

ClinVar aggregate classification (germline): Uncertain significance (1 of 4 stars; one submission).

Conditions:
Inborn genetic diseases. Identifiers: MedGen C0950123, MeSH D030342.

Submission:

Ambry Genetics
Classification: Uncertain significance for Inborn genetic diseases. Last evaluated: 2026-01-14. Review status: criteria provided, single submitter. Criteria: Ambry Variant Classification Scheme 2023. Collection method: clinical testing. Allele origin: germline.
Comment: The p.S475T variant (also known as c.1423T>A), located in coding exon 13 of the AKT1 gene, results from a T to A substitution at nucleotide position 1423. The serine at codon 475 is replaced by threonine, an amino acid with similar properties. This amino acid position is conserved. In addition, this alteration is predicted to be tolerated by in silico analysis. Based on the available evidence, the clinical significance of this variant remains unclear.

NM_001382430.1(AKT1):c.1423T>A (p.Ser475Thr)

Gene: AKT1 (AKT serine/threonine kinase 1; minus strand). Cytogenetic location: 14q32.33.
Variant type: single nucleotide variant.
Coding change: c.1423T>A on transcript NM_001382430.1 (MANE Select); coding-DNA position 1423, T replaced by A.
Protein change: p.Ser475Thr; replaces serine 475 with threonine.
Molecular consequence: missense variant.
Genome position (GRCh38, 1-based): chr14:104,770,361, A>T on the plus strand (T>A on the coding strand, the complement: AKT1 is on the minus strand). VCF-style: chr14-104770361-A-T. GRCh37 (hg19) VCF-style: chr14-105236698-A-T.
Other names: c.1423T>A, p.Ser475Thr (NM_001014431.2, NM_001014432.2, NM_001382431.1 and 3 more transcripts); short protein forms S475T.
Identifiers: ClinVar variation 4844118 (VCV004844118.1).
Genomic context (GRCh38, chr14:104,770,361, plus strand): 5'-CATCCCTCCAAGCTATCGTCCAGCGCAGTCCACCGCCGCCTCAGGCCGTGCCGCTGGCCG[A>T]GTAGGAGAACTGGGGGAAGTGGGGCCTGCGCTCGCTGTCCACACACTCCATGCTGTCATC-3'
Protein context (NP_001369359.1, residues 465-480): RRPHFPQFSY[Ser475Thr]ASGTA